The following is an entry in ClinVar:

NM_024809.5(TCTN2):c.1958T>C (p.Leu653Pro)

Gene: TCTN2 (tectonic family member 2; plus strand). Cytogenetic location: 12q24.31.
Variant type: single nucleotide variant.
Coding change: c.1958T>C on transcript NM_024809.5 (MANE Select); coding-DNA position 1958, T replaced by C.
Protein change: p.Leu653Pro; replaces leucine 653 with proline.
Molecular consequence: missense variant.
Genome position (GRCh38, 1-based): chr12:123,707,047, T>C. VCF-style: chr12-123707047-T-C. GRCh37 (hg19) VCF-style: chr12-124191594-T-C.
Other names: c.1955T>C, p.Leu652Pro (NM_001143850.3); c.1823T>C, p.Leu608Pro (NM_001410989.1); short protein forms L652P, L608P, L653P.
Identifiers: ClinVar variation 2016947 (VCV002016947.4), dbSNP rs1956238691, ClinGen allele CA387149053.

ClinVar aggregate classification (germline): Uncertain significance (1 of 4 stars; one submission).

Conditions:
Joubert syndrome. Also called: CEREBELLOPARENCHYMAL DISORDER IV; JOUBERT-BOLTSHAUSER SYNDROME; Familial aplasia of the vermis. Identifiers: Orphanet 475, MedGen C5979921, MONDO:0018772.
Meckel-Gruber syndrome. Also called: DYSENCEPHALIA SPLANCHNOCYSTICA; GRUBER SYNDROME; Dysencephalia splachnocystica. Identifiers: Orphanet 564, MedGen C0265215, MONDO:0018921.

Allele frequency attached by ClinVar (database versions not stated): TOPMed below 0.00001.

Submission:

Labcorp Genetics (formerly Invitae), Labcorp
Classification: Uncertain significance for Joubert syndrome; Meckel-Gruber syndrome. Last evaluated: 2022-07-14. Review status: criteria provided, single submitter. Criteria: Invitae Variant Classification Sherloc (09022015). Collection method: clinical testing. Allele origin: germline.
Comment: In summary, the available evidence is currently insufficient to determine the role of this variant in disease. Therefore, it has been classified as a Variant of Uncertain Significance. Algorithms developed to predict the effect of missense changes on protein structure and function are either unavailable or do not agree on the potential impact of this missense change (SIFT: "Deleterious"; PolyPhen-2: "Possibly Damaging"; Align-GVGD: "Class C0"). This variant has not been reported in the literature in individuals affected with TCTN2-related conditions. This variant is not present in population databases (gnomAD no frequency). This sequence change replaces leucine, which is neutral and non-polar, with proline, which is neutral and non-polar, at codon 653 of the TCTN2 protein (p.Leu653Pro).